The following is an entry in ClinVar:

ClinVar aggregate classification (germline): Uncertain significance (1 of 4 stars; one submission).

Submission:

Labcorp Genetics (formerly Invitae), Labcorp
Classification: Uncertain significance. Last evaluated: 2022-07-30. Review status: criteria provided, single submitter. Criteria: Invitae Variant Classification Sherloc (09022015). Collection method: clinical testing. Allele origin: germline.
Comment: This variant, c.364_366del, results in the deletion of 1 amino acid(s) of the HTRA2 protein (p.Trp122del), but otherwise preserves the integrity of the reading frame. This variant is not present in population databases (gnomAD no frequency). This variant has not been reported in the literature in individuals affected with HTRA2-related conditions. Experimental studies and prediction algorithms are not available or were not evaluated, and the functional significance of this variant is currently unknown. In summary, the available evidence is currently insufficient to determine the role of this variant in disease. Therefore, it has been classified as a Variant of Uncertain Significance.

NM_013247.5(HTRA2):c.364_366del (p.Trp122del)

Gene: HTRA2 (HtrA serine peptidase 2; plus strand). Cytogenetic location: 2p13.1.
Variant type: Deletion.
Coding change: c.364_366del on transcript NM_013247.5 (MANE Select); coding-DNA positions 364 to 366, 3 bases deleted (TGG; older notation c.364_366delTGG).
Protein change: p.Trp122del; deletes tryptophan 122.
Molecular consequence: inframe deletion. On other transcripts: non-coding transcript variant (1).
Genome position (GRCh38, 1-based): chr2:74,530,370-74,530,372, TGG deleted; deleting any 3 consecutive bases within chr2:74,530,369-74,530,372 gives the same sequence; the c. name uses the placement nearest the transcript's 3' end. VCF-style (leftmost placement, unchanged base first): chr2-74530368-TGTG-T. GRCh37 (hg19) VCF-style: chr2-74757495-TGTG-T.
Other names: c.364_366del, p.Trp122del (NM_001321727.1, NM_001321728.1, NM_145074.2); short protein forms W122del.
Identifiers: ClinVar variation 2020589 (VCV002020589.4), dbSNP rs2529879766, ClinGen allele CA2580068201.